The following is an entry in ClinVar:

ClinVar aggregate classification (germline): Uncertain significance (1 of 4 stars; one submission).

Conditions:
Aicardi-Goutieres syndrome 4. Identifiers: Orphanet 51, MedGen C1835912, MONDO:0012472, OMIM 610333.

Allele frequency attached by ClinVar (database versions not stated): gnomAD 0.00001.
gnomAD v4.1: 1 of 1,613,970 alleles (0.000062%); highest among the groups gnomAD compares: Non-Finnish European, 0.000085%; no homozygotes.

Submission:

Labcorp Genetics (formerly Invitae), Labcorp
Classification: Uncertain significance for Aicardi-Goutieres syndrome 4. Last evaluated: 2025-11-17. Review status: criteria provided, single submitter. Criteria: Invitae Variant Classification Sherloc (09022015). Collection method: clinical testing. Allele origin: germline.
Comment: This sequence change replaces valine, which is neutral and non-polar, with glycine, which is neutral and non-polar, at codon 190 of the RNASEH2A protein (p.Val190Gly). This variant is not present in population databases (gnomAD no frequency). This variant has not been reported in the literature in individuals affected with RNASEH2A-related conditions. ClinVar contains an entry for this variant (Variation ID: 1515259). Invitae Evidence Modeling of protein sequence and biophysical properties (such as structural, functional, and spatial information, amino acid conservation, physicochemical variation, residue mobility, and thermodynamic stability) indicates that this missense variant is expected to disrupt RNASEH2A protein function with a positive predictive value of 80%. In summary, the available evidence is currently insufficient to determine the role of this variant in disease. Therefore, it has been classified as a Variant of Uncertain Significance.

NM_006397.3(RNASEH2A):c.569T>G (p.Val190Gly)

Gene: RNASEH2A (ribonuclease H2 subunit A; plus strand). Cytogenetic location: 19p13.13.
Variant type: single nucleotide variant.
Coding change: c.569T>G on transcript NM_006397.3 (MANE Select); coding-DNA position 569, T replaced by G.
Protein change: p.Val190Gly; replaces valine 190 with glycine.
Molecular consequence: missense variant.
Genome position (GRCh38, 1-based): chr19:12,810,336, T>G. VCF-style: chr19-12810336-T-G. GRCh37 (hg19) VCF-style: chr19-12921150-T-G.
Other names: short protein forms V190G.
Identifiers: ClinVar variation 1515259 (VCV001515259.5), dbSNP rs1969055468, ClinGen allele CA404267451.